The following is an entry in ClinVar:

ClinVar aggregate classification (germline): Conflicting classifications of pathogenicity. Review status: criteria provided, conflicting classifications (1 of 4 stars). 4 submissions from 4 submitters: Likely pathogenic (3); Uncertain significance (1). Last evaluated 2023-07-17.

Conditions:
Inborn genetic diseases. Identifiers: MedGen C0950123, MeSH D030342.
Combined oxidative phosphorylation defect type 23. Also called: Combined oxidative phosphorylation deficiency 23. Identifiers: Orphanet 444013, MedGen C5567743, MONDO:0014525, OMIM 616198.

Allele frequency attached by ClinVar (database versions not stated): gnomAD 0.00001; gnomAD exomes 0.00002 and 0.00004; ExAC 0.00004.

Submissions (4):

Ambry Genetics
Classification: Uncertain significance for Inborn genetic diseases. Last evaluated: 2023-07-17. Review status: criteria provided, single submitter. Criteria: Ambry Variant Classification Scheme 2023. Collection method: clinical testing. Allele origin: germline.
Comment: Resulting transcript is predicted to be in-frame and is not expected to trigger nonsense-mediated mRNA decay Based on insufficient or conflicting evidence, the clinical significance of this alteration remains unclear.

Labcorp Genetics (formerly Invitae), Labcorp
Classification: Likely pathogenic. Last evaluated: 2023-05-31. Review status: criteria provided, single submitter. Criteria: Invitae Variant Classification Sherloc (09022015). Collection method: clinical testing. Allele origin: germline.
Comment: In summary, the currently available evidence indicates that the variant is pathogenic, but additional data are needed to prove that conclusively. Therefore, this variant has been classified as Likely Pathogenic. Algorithms developed to predict the effect of sequence changes on RNA splicing suggest that this variant may disrupt the consensus splice site. ClinVar contains an entry for this variant (Variation ID: 1301803). This variant has not been reported in the literature in individuals affected with GTPBP3-related conditions. This variant is present in population databases (rs763165541, gnomAD 0.04%). This sequence change affects an acceptor splice site in intron 4 of the GTPBP3 gene. It is expected to disrupt RNA splicing. Variants that disrupt the donor or acceptor splice site typically lead to a loss of protein function (PMID: 16199547), and loss-of-function variants in GTPBP3 are known to be pathogenic (PMID: 25434004).

Dubai Health Genomic Medicine Center, Dubai Health
Classification: Likely pathogenic for Combined oxidative phosphorylation defect type 23. Last evaluated: 2020-04-07. Review status: criteria provided, single submitter. Criteria: ACMG Guidelines, 2015. Collection method: clinical testing. Allele origin: germline. Affected: yes.
Comment: The 592-1G>C variant in GTPBP3 has not been previously reported in affected individuals but was identified in 10/27560 (0.0363% 0 homozygotes) South Asian individuals in the Genome Aggregation Database (gnomAD). This variant occurs in the invariant region (+/- 1/2) of the splice consensus sequence of all known GTPBP3 transcripts and is predicted to cause altered splicing leading to an abnormal or absent protein. In summary this variant meets our criteria to be classified as likely pathogenic.

Neuberg Centre For Genomic Medicine, NCGM
Classification: Likely pathogenic for Combined oxidative phosphorylation defect type 23. Review status: criteria provided, single submitter. Criteria: ACMG Guidelines, 2015. Collection method: clinical testing. Allele origin: germline. Inheritance: Autosomal recessive inheritance. Affected: yes.
Comment: The observed invariant splice acceptor c.592-1G>C variant in GTPBP3 gene has been submitted to the ClinVar database as Likely Pathogenic. The c.592-1G>C variant has been reported with allele frequency of 0.004% in gnomAD Exomes. SpliceAI predicts this variant to cause splice acceptor loss (0.93) and splice acceptor gain (0.29). Loss of function variants in GTPBP3 gene have been previously reported to be disease causing (Kopajtich R, et al., 2014). However, additional functional studies will be required to prove the pathogenicity of this variant conclusively. For these reasons, this variant has been classified as Likely Pathogenic. In absence of another reportable variant in GTPBP3 gene, the molecular diagnosis is not confirmed.

Literature cited by the submitters: PubMed 16199547 (cited by Labcorp Genetics (formerly Invitae), Labcorp); PubMed 25434004 (cited by Labcorp Genetics (formerly Invitae), Labcorp).

NM_032620.4(GTPBP3):c.592-1G>C

Gene: GTPBP3 (GTP binding protein 3, mitochondrial; plus strand). Cytogenetic location: 19p13.11.
Variant type: single nucleotide variant.
Coding change: c.592-1G>C on transcript NM_032620.4 (MANE Select); the canonical splice acceptor site of the intron before coding-DNA position 592, G replaced by C.
Molecular consequence: splice acceptor variant.
Genome position (GRCh38, 1-based): chr19:17,338,953, G>C. VCF-style: chr19-17338953-G-C. GRCh37 (hg19) VCF-style: chr19-17449762-G-C.
Other names: c.658-1G>C (NM_001195422.1); c.592-1G>C (NM_133644.4, NM_001128855.3).
Identifiers: ClinVar variation 1301803 (VCV001301803.15), dbSNP rs763165541, ClinGen allele CA9293422.